The following is an entry in ClinVar:

ClinVar aggregate classification (germline): Uncertain significance (1 of 4 stars; one submission).

Conditions:
Inborn genetic diseases. Identifiers: MedGen C0950123, MeSH D030342.

Submission:

Ambry Genetics
Classification: Uncertain significance for Inborn genetic diseases. Last evaluated: 2026-07-28. Review status: criteria provided, single submitter. Criteria: Ambry Variant Classification Scheme 2023. Collection method: clinical testing. Allele origin: germline.
Comment: The p.M557R variant (also known as c.1670T>G), located in coding exon 7 of the SH2B3 gene, results from a T to G substitution at nucleotide position 1670. The methionine at codon 557 is replaced by arginine, an amino acid with similar properties. This amino acid position is conserved. In addition, this alteration is predicted to be tolerated by in silico analysis. Based on the available evidence, the clinical significance of this variant remains unclear.

NM_005475.3(SH2B3):c.1670T>G (p.Met557Arg)

Gene: SH2B3 (SH2B adaptor protein 3; plus strand). Cytogenetic location: 12q24.12.
Variant type: single nucleotide variant.
Coding change: c.1670T>G on transcript NM_005475.3 (MANE Select); coding-DNA position 1670, T replaced by G.
Protein change: p.Met557Arg; replaces methionine 557 with arginine.
Molecular consequence: missense variant.
Genome position (GRCh38, 1-based): chr12:111,448,244, T>G. VCF-style: chr12-111448244-T-G. GRCh37 (hg19) VCF-style: chr12-111886048-T-G.
Other names: c.1064T>G, p.Met355Arg (NM_001291424.1); short protein forms M355R, M557R.
Identifiers: ClinVar variation 5029490 (VCV005029490.1).